The following is an entry in ClinVar:

ClinVar aggregate classification (germline): Uncertain significance (1 of 4 stars; one submission).

Conditions:
Fanconi anemia (FA). Also called: Fanconi's anemia. Identifiers: Orphanet 84, MedGen C0015625, MeSH D005199, MONDO:0019391.

gnomAD v4.1: 2 of 1,613,954 alleles (0.00012%); highest among the groups gnomAD compares: Non-Finnish European, 0.00017%; no homozygotes.

Submission:

Labcorp Genetics (formerly Invitae), Labcorp
Classification: Uncertain significance for Fanconi anemia. Last evaluated: 2021-05-04. Review status: criteria provided, single submitter. Criteria: Invitae Variant Classification Sherloc (09022015). Collection method: clinical testing. Allele origin: germline.
Comment: This sequence change replaces cysteine with tyrosine at codon 80 of the FANCA protein (p.Cys80Tyr). The cysteine residue is weakly conserved and there is a large physicochemical difference between cysteine and tyrosine. Advanced modeling of protein sequence and biophysical properties (such as structural, functional, and spatial information, amino acid conservation, physicochemical variation, residue mobility, and thermodynamic stability) performed at Invitae indicates that this missense variant is not expected to disrupt FANCA protein function. This variant has not been reported in the literature in individuals with FANCA-related conditions. This variant is not present in population databases (ExAC no frequency). In summary, the available evidence is currently insufficient to determine the role of this variant in disease. Therefore, it has been classified as a Variant of Uncertain Significance.

NM_000135.4(FANCA):c.239G>A (p.Cys80Tyr)

Gene: FANCA (FA complementation group A; minus strand). Cytogenetic location: 16q24.3.
Variant type: single nucleotide variant.
Coding change: c.239G>A on transcript NM_000135.4 (MANE Select); coding-DNA position 239, G replaced by A.
Protein change: p.Cys80Tyr; replaces cysteine 80 with tyrosine.
Molecular consequence: missense variant.
Genome position (GRCh38, 1-based): chr16:89,814,564, C>T on the plus strand (G>A on the coding strand, the complement: FANCA is on the minus strand). VCF-style: chr16-89814564-C-T. GRCh37 (hg19) VCF-style: chr16-89880972-C-T.
Other names: c.239G>A, p.Cys80Tyr (NM_001018112.3, NM_001286167.3, NM_001351830.2); short protein forms C80Y.
Identifiers: ClinVar variation 1419959 (VCV001419959.8), dbSNP rs1043175440, ClinGen allele CA286611028.